The following is an entry in ClinVar:

ClinVar aggregate classification (germline): Pathogenic/Likely pathogenic. Review status: criteria provided, multiple submitters, no conflicts (2 of 4 stars). 10 submissions from 10 submitters: Pathogenic (7); Likely pathogenic (1). 2 of the submissions do not count toward it. Last evaluated 2026-01-26.

Conditions:
FANCC-related disorder. Also called: FANCC-related condition.
Hereditary cancer-predisposing syndrome. Also called: Hereditary Cancer Syndrome; Hereditary neoplastic syndrome; Neoplastic Syndromes, Hereditary; Tumor predisposition. Identifiers: Orphanet 140162, MedGen C0027672, MeSH D009386, MONDO:0015356.
Fanconi anemia (FA). Also called: Fanconi's anemia. Identifiers: Orphanet 84, MedGen C0015625, MeSH D005199, MONDO:0019391.
Fanconi anemia complementation group C (FANCC). Also called: Fanconi anemia, group C; FANCC-Related Fanconi Anemia; FANCONI PANCYTOPENIA, TYPE 3; FACC. Identifiers: Orphanet 84, MedGen C3468041, MONDO:0009213, OMIM 227645.

Allele frequency attached by ClinVar (database versions not stated): gnomAD 0.00003.
gnomAD v4.1: 39 of 1,614,018 alleles (0.0024%); highest among the groups gnomAD compares: Non-Finnish European, 0.0031%; no homozygotes.

Submissions (10):

Labcorp Genetics (formerly Invitae), Labcorp
Classification: Pathogenic for Fanconi anemia. Last evaluated: 2026-01-26. Review status: criteria provided, single submitter. Criteria: Invitae Variant Classification Sherloc (09022015). Collection method: clinical testing. Allele origin: germline.
Comment: This sequence change creates a premature translational stop signal (p.Gly388*) in the FANCC gene. It is expected to result in an absent or disrupted protein product. Loss-of-function variants in FANCC are known to be pathogenic (PMID: 17924555). This variant is present in population databases (no rsID available, gnomAD 0.004%). This variant has not been reported in the literature in individuals affected with FANCC-related conditions. ClinVar contains an entry for this variant (Variation ID: 218427). For these reasons, this variant has been classified as Pathogenic.

GeneDx
Classification: Pathogenic. Last evaluated: 2025-03-13. Review status: criteria provided, single submitter. Criteria: GeneDx Variant Classification Process June 2021. Collection method: clinical testing. Allele origin: germline. Affected: yes.
Comment: Observed in individuals with breast, pancreatic and other cancers (PMID: 35512711, 29922827, 26689913, 32496904, 33471991); Nonsense variant predicted to result in protein truncation or nonsense mediated decay in a gene for which loss of function is a known mechanism of disease; Not observed at significant frequency in large population cohorts (gnomAD); This variant is associated with the following publications: (PMID: 26689913, 23634996, 29922827, 32496904, 35512711, 33471991, 38319496, 36894310)

Natera, Inc.
Classification: Pathogenic for Fanconi anemia. Last evaluated: 2025-02-07. Review status: criteria provided, single submitter. Criteria: Natera Variant Classification Schema (03/2026). Collection method: clinical testing. Allele origin: germline.
Comment: The c.1162G>T variant in FANCC is a nonsense variant predicted to introduce a stop codon at amino acid 388. This variant is expected to result in nonsense mediated decay, truncation, or a dysfunctional protein product. This variant is rare in the general population with a frequency below the threshold expected for the associated phenotype(s). This variant has been observed in one or more individuals affected with the associated recessive disease, as either homozygous or compound heterozygous with a second variant (PMID: 36894310). Given the available evidence, this variant is classified as Pathogenic.

Baylor Genetics
Classification: Pathogenic for Fanconi anemia complementation group C. Last evaluated: 2023-05-25. Review status: criteria provided, single submitter. Criteria: ACMG Guidelines, 2015. Collection method: clinical testing. Allele origin: unknown.

Ambry Genetics
Classification: Pathogenic for Hereditary cancer-predisposing syndrome. Last evaluated: 2022-12-30. Review status: criteria provided, single submitter. Criteria: Ambry Variant Classification Scheme 2023. Collection method: clinical testing. Allele origin: germline.
Comment: The p.G388* pathogenic mutation (also known as c.1162G>T), located in coding exon 12 of the FANCC gene, results from a G to T substitution at nucleotide position 1162. This changes the amino acid from a glycine to a stop codon within coding exon 12. This alteration is expected to result in loss of function by premature protein truncation or nonsense-mediated mRNA decay. As such, this alteration is interpreted as a disease-causing mutation.

Women's Health and Genetics/Laboratory Corporation of America, LabCorp
Classification: Likely pathogenic for Fanconi anemia complementation group C. Last evaluated: 2022-04-12. Review status: criteria provided, single submitter. Criteria: LabCorp Variant Classification Summary - May 2015. Collection method: clinical testing. Allele origin: germline.
Comment: Variant summary: FANCC c.1162G>T (p.Gly388X) results in a premature termination codon, predicted to cause a truncation of the encoded protein or absence of the protein due to nonsense mediated decay, which are commonly known mechanisms for disease. Truncations downstream of this position have been classified as pathogenic by our laboratory. The variant allele was found at a frequency of 8e-06 in 251364 control chromosomes (gnomAD). c.1162G>T has been reported in the literature in individuals affected with pancreatic cancer (Hu_2018), acute myeloid leukemia (Lu_2015), breast cancer (Dorling_2021) and pediatric neuroblastoma (Qin_2020). These data indicate that the variant may be associated with disease. To our knowledge, no experimental evidence demonstrating an impact on protein function has been reported. Six ClinVar submitters have assessed the variant since 2014: two classified the variant as likely pathogenic, and four as pathogenic. Based on the evidence outlined above, the variant was classified as likely pathogenic.

Genetic Services Laboratory, University of Chicago
Classification: Pathogenic. Last evaluated: 2019-06-10. Review status: criteria provided, single submitter. Criteria: ACMG Guidelines, 2015. Collection method: clinical testing. Allele origin: germline. Affected: yes.
Comment: DNA sequence analysis of the FANCC gene demonstrated a sequence change, c.1162G>T, which results in the creation of a premature stop codon at amino acid position 388, p.Gly388*. This pathogenic sequence change is predicted to result in an abnormal transcript, which may be degraded, or may lead to the production of a truncated FANCC protein with potentially abnormal function. This pathogenic sequence change is present at a low frequency of 0.001% in the gnomAD population database (dbSNP rs371897078).

Genomic Diagnostic Laboratory, Division of Genomic Diagnostics, Children's Hospital of Philadelphia
Classification: Pathogenic. Last evaluated: 2015-07-15. Review status: criteria provided, single submitter. Criteria: DGD Variant Analysis Guidelines. Collection method: clinical testing. Allele origin: unknown.

PreventionGenetics, part of Exact Sciences
Classification: Likely pathogenic for FANCC-related condition. Last evaluated: 2023-11-30. Review status: no assertion criteria provided. Collection method: clinical testing. Allele origin: germline. Not counted in ClinVar's aggregate classification.
Comment: The FANCC c.1162G>T variant is predicted to result in premature protein termination (p.Gly388*). This variant was reported as uncertain germline variant in one individual with brain lower grade glioma in a large cohort study of 10,389 adult cancers (Table S2B, Huang. 2018. PubMed ID: 29625052). This variant was also reported to be associated with AML and pancreatic cancer (Supplementary Data 2, Lu et al. 2015. PubMed ID: 26689913; eTable 3, Hu et al. 2018. PubMed ID: 29922827). In ClinVar, this variant is interpreted as likely pathogenic/pathogenic. This variant is reported in 0.0040% of alleles in individuals of African descent in gnomAD. Nonsense variants in FANCC are expected to be pathogenic. This variant is interpreted as likely pathogenic.

Counsyl
Classification: Likely pathogenic for Fanconi anemia complementation group C. Last evaluated: 2015-11-25. Review status: no assertion criteria provided. Collection method: clinical testing. Allele origin: unknown. Not counted in ClinVar's aggregate classification.

Literature cited by the submitters: PubMed 17924555 (cited by Labcorp Genetics (formerly Invitae), Labcorp); PubMed 36894310 (cited by Natera, Inc.); PubMed 26689913 (cited by Women's Health and Genetics/Laboratory Corporation of America, LabCorp); PubMed 29922827 (cited by Women's Health and Genetics/Laboratory Corporation of America, LabCorp); PubMed 33471991 (cited by Women's Health and Genetics/Laboratory Corporation of America, LabCorp); PubMed 32496904 (cited by Women's Health and Genetics/Laboratory Corporation of America, LabCorp); PubMed 23634996 (cited by Counsyl).

NM_000136.3(FANCC):c.1162G>T (p.Gly388Ter)

Genes: FANCC (FA complementation group C; minus strand), AOPEP (aminopeptidase O (putative); plus strand). Cytogenetic location: 9q22.32.
Variant type: single nucleotide variant.
Coding change: c.1162G>T on transcript NM_000136.3 (MANE Select); coding-DNA position 1162, G replaced by T.
Protein change: p.Gly388Ter; replaces glycine 388 with a stop codon.
Molecular consequence: nonsense.
Genome position (GRCh38, 1-based): chr9:95,111,630, C>A on the plus strand (G>T on the coding strand, the complement: FANCC is on the minus strand). VCF-style: chr9-95111630-C-A. GRCh37 (hg19) VCF-style: chr9-97873912-C-A.
Other names: c.1162G>T, p.Gly388Ter (NM_001243743.2, NM_001243744.2); short protein forms G388*.
Identifiers: ClinVar variation 218427 (VCV000218427.31), dbSNP rs371897078, ClinGen allele CA248867.